The following is an entry in ClinVar:

ClinVar aggregate classification (germline): Likely pathogenic (1 of 4 stars; one submission).

Conditions:
Autism Spectrum Disorder with Intellectual Disability.

Submission:

Groupe Hospitalier Pitie Salpetriere, Uf Genomique Du Developpement, Assistance Publique Hopitaux de Paris Sorbonne Université
Classification: Likely pathogenic for Autism Spectrum Disorder with Intellectual Disability. Last evaluated: 2017-01-06. Review status: criteria provided, single submitter. Criteria: ACMG Guidelines, 2015. Collection method: clinical testing. Allele origin: de novo. Affected: yes. Observed: 1 variant allele.
Comment: Autism Spectrum Disorder with mild Intellectual Disability; no seizures or epilepsy

Literature cited by the submitters: PubMed 28708303.

NM_001040142.2(SCN2A):c.4160_4161del (p.Lys1387fs)

Gene: SCN2A (sodium voltage-gated channel alpha subunit 2; plus strand). Cytogenetic location: 2q24.3.
Variant type: Deletion.
Coding change: c.4160_4161del on transcript NM_001040142.2 (MANE Select); coding-DNA positions 4160 to 4161, 2 bases deleted (AA; older notation c.4160_4161delAA).
Protein change: p.Lys1387fs; shifts the reading frame from lysine 1387.
Molecular consequence: frameshift variant.
Genome position (GRCh38, 1-based): chr2:165,374,872-165,374,873, AA deleted; deleting any 2 consecutive bases within chr2:165,374,871-165,374,873 gives the same sequence; the c. name uses the placement nearest the transcript's 3' end. VCF-style (leftmost placement, unchanged base first): chr2-165374870-CAA-C. GRCh37 (hg19) VCF-style: chr2-166231380-CAA-C.
Other names: c.4160_4161del, p.Lys1387fs (NM_001040143.2, NM_001371246.1, NM_001371247.1 and 1 more transcripts); short protein forms K1387fs.
Identifiers: ClinVar variation 431141 (VCV000431141.3), dbSNP rs1135401811, ClinGen allele CA645372366.